The following is an entry in ClinVar:

NM_033305.3(VPS13A):c.8656G>T (p.Glu2886Ter)

Gene: VPS13A (vacuolar protein sorting 13 homolog A; plus strand). Cytogenetic location: 9q21.2.
Variant type: single nucleotide variant.
Coding change: c.8656G>T on transcript NM_033305.3 (MANE Select); coding-DNA position 8656, G replaced by T.
Protein change: p.Glu2886Ter; replaces glutamic acid 2886 with a stop codon.
Molecular consequence: nonsense.
Genome position (GRCh38, 1-based): chr9:77,369,401, G>T. VCF-style: chr9-77369401-G-T. GRCh37 (hg19) VCF-style: chr9-79984317-G-T.
Other names: c.8539G>T, p.Glu2847Ter (NM_001018037.2); c.8656G>T, p.Glu2886Ter (NM_001018038.3, NM_015186.4); short protein forms E2886*, E2847*.
Identifiers: ClinVar variation 2814159 (VCV002814159.4), dbSNP rs2538198396, ClinGen allele CA373866249.

ClinVar aggregate classification (germline): Pathogenic/Likely pathogenic. Review status: criteria provided, multiple submitters, no conflicts (2 of 4 stars). 2 submissions from 2 submitters: Pathogenic (1); Likely pathogenic (1). Last evaluated 2024-04-26.

Conditions:
VPS13A-related neurodegenerative disease. Also called: LEVINE-CRITCHLEY SYNDROME; Choreoacanthocytosis; Chorea-acanthocytosis; VPS13A Disease; ACANTHOCYTOSIS WITH NEUROLOGIC DISORDER; Choreaacanthocytosis. Identifiers: Orphanet 2388, MedGen C0393576, MONDO:0008695, OMIM 200150.

Allele frequency attached by ClinVar (database versions not stated): gnomAD exomes below 0.00001.
gnomAD v4.1: 1 of 1,597,542 alleles (0.000063%); highest among the groups gnomAD compares: African/African-American, 0.0013%; no homozygotes.

Submissions (2):

Fulgent Genetics
Classification: Likely pathogenic for VPS13A-related neurodegenerative disease. Last evaluated: 2024-04-26. Review status: criteria provided, single submitter. Criteria: ACMG Guidelines, 2015. Collection method: clinical testing. Allele origin: germline.

Labcorp Genetics (formerly Invitae), Labcorp
Classification: Pathogenic. Last evaluated: 2022-11-14. Review status: criteria provided, single submitter. Criteria: Invitae Variant Classification Sherloc (09022015). Collection method: clinical testing. Allele origin: germline.
Comment: This variant is not present in population databases (gnomAD no frequency). This sequence change creates a premature translational stop signal (p.Glu2886*) in the VPS13A gene. It is expected to result in an absent or disrupted protein product. Loss-of-function variants in VPS13A are known to be pathogenic (PMID: 12404112, 21598378). This variant has not been reported in the literature in individuals affected with VPS13A-related conditions. Algorithms developed to predict the effect of sequence changes on RNA splicing suggest that this variant may create or strengthen a splice site. For these reasons, this variant has been classified as Pathogenic.

Literature cited by the submitters: PubMed 12404112 (cited by Labcorp Genetics (formerly Invitae), Labcorp); PubMed 21598378 (cited by Labcorp Genetics (formerly Invitae), Labcorp).